The following is an entry in ClinVar:

ClinVar aggregate classification (germline): Conflicting classifications of pathogenicity. Review status: criteria provided, conflicting classifications (1 of 4 stars). 4 submissions from 4 submitters: Uncertain significance (1); Likely benign (1). 2 of the submissions do not count toward it. Last evaluated 2024-05-20.

Allele frequency attached by ClinVar (database versions not stated): 1000 Genomes Project 0.00026; gnomAD exomes 0.00032 and 0.00070; ExAC 0.00035; 1000 Genomes Project 30x 0.00042; gnomAD 0.00045 and 0.00049; TOPMed 0.00054; ESP Exome Variant Server 0.00057.
gnomAD v4.1: 802 of 1,209,413 alleles (0.066%); highest among the groups gnomAD compares: Non-Finnish European, 0.086%; no homozygotes.

Submissions (4):

Ambry Genetics
Classification: Uncertain significance. Last evaluated: 2024-05-20. Review status: criteria provided, single submitter. Criteria: Ambry Variant Classification Scheme 2023. Collection method: clinical testing. Allele origin: germline.

CeGaT Center for Human Genetics Tuebingen
Classification: Likely benign. Last evaluated: 2023-03-01. Review status: criteria provided, single submitter. Criteria: CeGaT Center For Human Genetics Tuebingen Variant Classification Criteria Version 2. Collection method: clinical testing. Allele origin: germline. Affected: yes. Observed: 1 variant allele.
Comment: ADGRG4: BP4, BS2

Clinical Genetics DNA and cytogenetics Diagnostics Lab, Erasmus MC, Erasmus Medical Center
Classification: Likely benign. Review status: no assertion criteria provided. Collection method: clinical testing. Allele origin: germline. Affected: yes. Study: VKGL Data-share Consensus. Not counted in ClinVar's aggregate classification.

Laboratory of Diagnostic Genome Analysis, Leiden University Medical Center (LUMC)
Classification: Likely benign. Review status: no assertion criteria provided. Collection method: clinical testing. Allele origin: germline. Affected: yes. Study: VKGL Data-share Consensus. Not counted in ClinVar's aggregate classification.

NM_153834.4(ADGRG4):c.1963A>G (p.Ile655Val)

Gene: ADGRG4 (adhesion G protein-coupled receptor G4; plus strand). Cytogenetic location: Xq26.3.
Variant type: single nucleotide variant.
Coding change: c.1963A>G on transcript NM_153834.4 (MANE Select); coding-DNA position 1963, A replaced by G.
Protein change: p.Ile655Val; replaces isoleucine 655 with valine.
Molecular consequence: missense variant.
Genome position (GRCh38, 1-based): chrX:136,345,669, A>G. VCF-style: chrX-136345669-A-G. GRCh37 (hg19) VCF-style: chrX-135427828-A-G.
Other names: c.1963A>G (NM_153834.3); short protein forms I655V.
Identifiers: ClinVar variation 1205895 (VCV001205895.30), dbSNP rs41299092, ClinGen allele CA10526149.
Genomic context (GRCh38, chrX:136,345,669, plus strand): 5'-GAGTCAGGTCCCACATCCACAACTGATGAAGCTGCCCATCTGTTCTCCAGCAATGAGACC[A>G]TTTGGACTTCTAGGCCAGACCAGGCCCTGCTGGCATCTATGAACACAACCACCATACTCA-3'
Protein context (NP_722576.3, residues 645-665): AAHLFSSNET[Ile655Val]WTSRPDQALL